The following is an entry in ClinVar:

ClinVar aggregate classification (germline): Uncertain significance (1 of 4 stars; one submission).

Allele frequency attached by ClinVar (database versions not stated): gnomAD exomes below 0.00001; TOPMed below 0.00001; ExAC 0.00001; gnomAD 0.00001; ESP Exome Variant Server 0.00008.
gnomAD v4.1: 7 of 1,607,298 alleles (0.00044%); highest among the groups gnomAD compares: East Asian, 0.0022%; no homozygotes.

Submission:

Labcorp Genetics (formerly Invitae), Labcorp
Classification: Uncertain significance. Last evaluated: 2022-09-01. Review status: criteria provided, single submitter. Criteria: Invitae Variant Classification Sherloc (09022015). Collection method: clinical testing. Allele origin: germline.
Comment: This sequence change replaces arginine, which is basic and polar, with cysteine, which is neutral and slightly polar, at codon 690 of the ADD3 protein (p.Arg690Cys). The frequency data for this variant in the population databases is considered unreliable, as metrics indicate poor data quality at this position in the gnomAD database. This variant has not been reported in the literature in individuals affected with ADD3-related conditions. Experimental studies and prediction algorithms are not available or were not evaluated, and the functional significance of this variant is currently unknown. In summary, the available evidence is currently insufficient to determine the role of this variant in disease. Therefore, it has been classified as a Variant of Uncertain Significance.

NM_016824.5(ADD3):c.2068C>T (p.Arg690Cys)

Gene: ADD3 (adducin 3; plus strand). Cytogenetic location: 10q25.2.
Variant type: single nucleotide variant.
Coding change: c.2068C>T on transcript NM_016824.5 (MANE Select); coding-DNA position 2068, C replaced by T.
Protein change: p.Arg690Cys; replaces arginine 690 with cysteine.
Molecular consequence: missense variant.
Genome position (GRCh38, 1-based): chr10:110,133,565, C>T. VCF-style: chr10-110133565-C-T. GRCh37 (hg19) VCF-style: chr10-111893323-C-T.
Other names: c.1972C>T, p.Arg658Cys (NM_001121.4, NM_019903.5); c.2068C>T, p.Arg690Cys (NM_001320591.2, NM_001320592.2, NM_001320593.2); c.1834C>T, p.Arg612Cys (NM_001320594.2); short protein forms R612C, R690C, R658C.
Identifiers: ClinVar variation 2129022 (VCV002129022.1), dbSNP rs11550114, ClinGen allele CA5686801.